The following is an entry in ClinVar:

NM_001042492.3(NF1):c.6922-3C>T

Gene: NF1 (neurofibromin 1; plus strand). Cytogenetic location: 17q11.2.
Variant type: single nucleotide variant.
Coding change: c.6922-3C>T on transcript NM_001042492.3 (MANE Select); 3 bases into the intron before coding-DNA position 6922, C replaced by T.
Molecular consequence: intron variant.
Genome position (GRCh38, 1-based): chr17:31,340,502, C>T. VCF-style: chr17-31340502-C-T. GRCh37 (hg19) VCF-style: chr17-29667520-C-T.
Other names: c.6859-3C>T (NM_000267.4).
Identifiers: ClinVar variation 231907 (VCV000231907.10), dbSNP rs876659438, ClinGen allele CA10580394.

ClinVar aggregate classification (germline): Conflicting classifications of pathogenicity. Review status: criteria provided, conflicting classifications (1 of 4 stars). 4 submissions from 3 submitters: Uncertain significance (3); Likely benign (1). Last evaluated 2025-10-26.

Conditions:
Cardiovascular phenotype. Identifiers: MedGen CN230736.
Hereditary cancer-predisposing syndrome. Also called: Hereditary Cancer Syndrome; Neoplastic Syndromes, Hereditary; Tumor predisposition; Hereditary neoplastic syndrome. Identifiers: Orphanet 140162, MedGen C0027672, MeSH D009386, MONDO:0015356.
Neurofibromatosis, type 1 (NF1). Also called: Neurofibromatosis, type I; VON RECKLINGHAUSEN DISEASE; NEUROFIBROMATOSIS, TYPE I, SOMATIC; Peripheral type neurofibromatosis. Identifiers: Orphanet 636, MedGen C0027831, MONDO:0018975, OMIM 162200. Disease mechanism: loss of function.

Allele frequency attached by ClinVar (database versions not stated): gnomAD exomes below 0.00001.
gnomAD v4.1: 3 of 1,614,134 alleles (0.00019%); highest among the groups gnomAD compares: Non-Finnish European, 0.00025%; no homozygotes.

Submissions (4):

Labcorp Genetics (formerly Invitae), Labcorp
Classification: Likely benign for Neurofibromatosis, type 1. Last evaluated: 2025-10-26. Review status: criteria provided, single submitter. Criteria: Invitae Variant Classification Sherloc (09022015). Collection method: clinical testing. Allele origin: germline.

Genome-Nilou Lab
Classification: Uncertain significance for Neurofibromatosis, type 1. Last evaluated: 2022-03-15. Review status: criteria provided, single submitter. Criteria: ACMG Guidelines, 2015. Collection method: clinical testing. Allele origin: germline. Affected: no.

Ambry Genetics
Classification: Uncertain significance for Cardiovascular phenotype; Hereditary cancer-predisposing syndrome. Last evaluated: 2019-12-11. Review status: criteria provided, single submitter. Criteria: Ambry Variant Classification Scheme 2023. Collection method: clinical testing. Allele origin: germline.
Comment: The c.6859-3C>T intronic alteration consists of a C to T substitution 3 nucleotides before coding exon 46 in the NF1 gene. Based on insufficient or conflicting evidence, the clinical significance of this alteration remains unclear.

Ambry Genetics
Classification: Uncertain significance for Hereditary cancer-predisposing syndrome. Last evaluated: 2015-05-19. Review status: criteria provided, single submitter. Criteria: Ambry Autosomal Dominant and X-Linked criteria (10/2015). Collection method: clinical testing. Allele origin: germline. Observed: 1 variant allele.
Comment: The c.6922-3C>T intronic variant results from a C to T substitution 3 nucleotides upstream from coding exon 47 in the NF1 gene. This variant was not reported in population based cohorts in the following databases: Database of Single Nucleotide Polymorphisms (dbSNP), NHLBI Exome Sequencing Project (ESP), and 1000 Genomes Project. In the ESP, this variant was not observed in 6503 samples (13006 alleles) with coverage at this position.To date, this alteration has been detected with an allele frequency of approximately 0.002% (greater than55000 alleles tested) in our clinical cohort. This nucleotide position is not well conserved in available vertebrate species. Using two different splice site prediction tools, this alteration is predicted by ESEfinder to weaken the efficacy of the native acceptor splice site, but is not predicted to have a deleterious effect on this acceptorsplice site by BDGP; however, direct evidence is unavailable.<span style="color:rgb(54, 43, 54); font-family:arial,sans-serif">Since supporting evidence for this variant is limited at this time, the clinical significance ofc.6922-3C>Tremains unclear.